The following is an entry in ClinVar:

NM_001042492.3(NF1):c.2027_2034del (p.Thr676fs)

Gene: NF1 (neurofibromin 1; plus strand). Cytogenetic location: 17q11.2.
Variant type: Deletion.
Coding change: c.2027_2034del on transcript NM_001042492.3 (MANE Select); coding-DNA positions 2027 to 2034, 8 bases deleted (CCCCCCCG; older notation c.2027_2034delCCCCCCCG).
Protein change: p.Thr676fs; shifts the reading frame from threonine 676.
Molecular consequence: frameshift variant.
Genome position (GRCh38, 1-based): chr17:31,226,460-31,226,467, CCCCCCCG deleted. VCF-style (leftmost placement, unchanged base first): chr17-31226459-ACCCCCCCG-A. GRCh37 (hg19) VCF-style: chr17-29553477-ACCCCCCCG-A.
Other names: c.2027_2034delCCCCCCCG, p.Thr676Asnfs (NM_000267.4); short protein forms T676fs.
Identifiers: ClinVar variation 2006596 (VCV002006596.4), dbSNP rs2508154502, ClinGen allele CA2580093134.

ClinVar aggregate classification (germline): Pathogenic (1 of 4 stars; one submission).

Conditions:
Neurofibromatosis, type 1 (NF1). Also called: Neurofibromatosis, type I; Peripheral type neurofibromatosis; VON RECKLINGHAUSEN DISEASE; NEUROFIBROMATOSIS, TYPE I, SOMATIC. Identifiers: Orphanet 636, MedGen C0027831, MONDO:0018975, OMIM 162200. Disease mechanism: loss of function.

Submission:

Labcorp Genetics (formerly Invitae), Labcorp
Classification: Pathogenic for Neurofibromatosis, type 1. Last evaluated: 2022-06-14. Review status: criteria provided, single submitter. Criteria: Invitae Variant Classification Sherloc (09022015). Collection method: clinical testing. Allele origin: germline.
Comment: For these reasons, this variant has been classified as Pathogenic. This variant has not been reported in the literature in individuals affected with NF1-related conditions. This variant is not present in population databases (gnomAD no frequency). This sequence change creates a premature translational stop signal (p.Thr676Asnfs*21) in the NF1 gene. It is expected to result in an absent or disrupted protein product. Loss-of-function variants in NF1 are known to be pathogenic (PMID: 10712197, 23913538).

Literature cited by the submitters: PubMed 10712197; PubMed 23913538.